The following is an entry in ClinVar:

ClinVar aggregate classification (germline): Uncertain significance (1 of 4 stars; one submission).

Conditions:
Autosomal dominant nonsyndromic hearing loss 20. Identifiers: Orphanet 90635, MedGen C1858172, MONDO:0011480, OMIM 604717.
Baraitser-winter syndrome 2. Identifiers: Orphanet 2995, MedGen C3281235, MONDO:0013812, OMIM 614583.

Submission:

Labcorp Genetics (formerly Invitae), Labcorp
Classification: Uncertain significance for Baraitser-winter syndrome 2; Autosomal dominant nonsyndromic hearing loss 20. Last evaluated: 2023-08-04. Review status: criteria provided, single submitter. Criteria: Invitae Variant Classification Sherloc (09022015). Collection method: clinical testing. Allele origin: germline.
Comment: This sequence change replaces glutamic acid, which is acidic and polar, with lysine, which is basic and polar, at codon 195 of the ACTG1 protein (p.Glu195Lys). This variant is not present in population databases (gnomAD no frequency). In summary, the available evidence is currently insufficient to determine the role of this variant in disease. Therefore, it has been classified as a Variant of Uncertain Significance. Advanced modeling of protein sequence and biophysical properties (such as structural, functional, and spatial information, amino acid conservation, physicochemical variation, residue mobility, and thermodynamic stability) performed at Invitae indicates that this missense variant is not expected to disrupt ACTG1 protein function. ClinVar contains an entry for this variant (Variation ID: 1493109). This variant has not been reported in the literature in individuals affected with ACTG1-related conditions.

NM_001614.5(ACTG1):c.583G>A (p.Glu195Lys)

Gene: ACTG1 (actin gamma 1; minus strand). Cytogenetic location: 17q25.3.
Variant type: single nucleotide variant.
Coding change: c.583G>A on transcript NM_001614.5 (MANE Select); coding-DNA position 583, G replaced by A.
Protein change: p.Glu195Lys; replaces glutamic acid 195 with lysine.
Molecular consequence: missense variant. On other transcripts: non-coding transcript variant (1).
Genome position (GRCh38, 1-based): chr17:81,511,407, C>T on the plus strand (G>A on the coding strand, the complement: ACTG1 is on the minus strand). VCF-style: chr17-81511407-C-T. GRCh37 (hg19) VCF-style: chr17-79478433-C-T.
Other names: c.583G>A, p.Glu195Lys (NM_001199954.3); short protein forms E195K.
Identifiers: ClinVar variation 1493109 (VCV001493109.8), dbSNP rs2143778304, ClinGen allele CA401460581.